The following is an entry in ClinVar:

ClinVar aggregate classification (germline): Uncertain significance (1 of 4 stars; one submission).

Conditions:
Spongy degeneration of central nervous system. Also called: ACY2 DEFICIENCY; AMINOACYLASE 2 DEFICIENCY; ASP DEFICIENCY; ASPA DEFICIENCY; ASPARTOACYLASE DEFICIENCY; CANAVAN-VAN BOGAERT-BERTRAND DISEASE. Identifiers: Orphanet 141, MedGen C0206307, MONDO:0010079, OMIM 271900.

Allele frequency attached by ClinVar (database versions not stated): gnomAD exomes 0.00002; TOPMed 0.00003; gnomAD 0.00003.
gnomAD v4.1: 33 of 1,612,848 alleles (0.002%); highest among the groups gnomAD compares: East Asian, 0.018%; no homozygotes.

Submission:

Labcorp Genetics (formerly Invitae), Labcorp
Classification: Uncertain significance for Spongy degeneration of central nervous system. Last evaluated: 2022-08-23. Review status: criteria provided, single submitter. Criteria: Invitae Variant Classification Sherloc (09022015). Collection method: clinical testing. Allele origin: germline.
Comment: This sequence change replaces arginine, which is basic and polar, with glutamine, which is neutral and polar, at codon 233 of the ASPA protein (p.Arg233Gln). This variant is present in population databases (rs776560292, gnomAD 0.02%). This variant has not been reported in the literature in individuals affected with ASPA-related conditions. ClinVar contains an entry for this variant (Variation ID: 1437568). Advanced modeling of protein sequence and biophysical properties (such as structural, functional, and spatial information, amino acid conservation, physicochemical variation, residue mobility, and thermodynamic stability) performed at Invitae indicates that this missense variant is expected to disrupt ASPA protein function. Algorithms developed to predict the effect of sequence changes on RNA splicing suggest that this variant may create or strengthen a splice site. In summary, the available evidence is currently insufficient to determine the role of this variant in disease. Therefore, it has been classified as a Variant of Uncertain Significance.

NM_000049.4(ASPA):c.698G>A (p.Arg233Gln)

Genes: ASPA (aspartoacylase; plus strand), SPATA22 (spermatogenesis associated 22; minus strand). Cytogenetic location: 17p13.2.
Variant type: single nucleotide variant.
Coding change: c.698G>A on transcript NM_000049.4 (MANE Select); coding-DNA position 698, G replaced by A.
Protein change: p.Arg233Gln; replaces arginine 233 with glutamine.
Molecular consequence: missense variant. On other transcripts: intron variant (2).
Genome position (GRCh38, 1-based): chr17:3,494,413, G>A. VCF-style: chr17-3494413-G-A. GRCh37 (hg19) VCF-style: chr17-3397707-G-A.
Other names: c.698G>A, p.Arg233Gln (NM_001128085.1); c.-74+18999C>T (NM_001321336.2, NM_001321337.2); short protein forms R233Q.
Identifiers: ClinVar variation 1437568 (VCV001437568.4), dbSNP rs776560292, ClinGen allele CA8289014.